The following is an entry in ClinVar:

ClinVar aggregate classification (germline): Uncertain significance (1 of 4 stars; one submission).

Conditions:
Werner syndrome (WRN). Identifiers: Orphanet 902, MedGen C0043119, MONDO:0010196, OMIM 277700.

Submission:

Labcorp Genetics (formerly Invitae), Labcorp
Classification: Uncertain significance for Werner syndrome. Last evaluated: 2018-08-12. Review status: criteria provided, single submitter. Criteria: Invitae Variant Classification Sherloc (09022015). Collection method: clinical testing. Allele origin: germline.
Comment: This sequence change replaces aspartic acid with glycine at codon 1186 of the WRN protein (p.Asp1186Gly). The aspartic acid residue is moderately conserved and there is a moderate physicochemical difference between aspartic acid and glycine. This variant is not present in population databases (ExAC no frequency). This variant has not been reported in the literature in individuals with WRN-related disease. Algorithms developed to predict the effect of missense changes on protein structure and function are either unavailable or do not agree on the potential impact of this missense change (SIFT: "Tolerated"; PolyPhen-2: "Probably Damaging"; Align-GVGD: "Class C0"). Algorithms developed to predict the effect of sequence changes on RNA splicing suggest that this variant may create or strengthen a splice site, but this prediction has not been confirmed by published transcriptional studies. In summary, the available evidence is currently insufficient to determine the role of this variant in disease. Therefore, it has been classified as a Variant of Uncertain Significance.

NM_000553.6(WRN):c.3557A>G (p.Asp1186Gly)

Gene: WRN (WRN RecQ like helicase; plus strand). Cytogenetic location: 8p12.
Variant type: single nucleotide variant.
Coding change: c.3557A>G on transcript NM_000553.6 (MANE Select); coding-DNA position 3557, A replaced by G.
Protein change: p.Asp1186Gly; replaces aspartic acid 1186 with glycine.
Molecular consequence: missense variant.
Genome position (GRCh38, 1-based): chr8:31,147,461, A>G. VCF-style: chr8-31147461-A-G. GRCh37 (hg19) VCF-style: chr8-31004977-A-G.
Other names: short protein forms D1186G.
Identifiers: ClinVar variation 665325 (VCV000665325.4), dbSNP rs1585522712, ClinGen allele CA370926101.